The following is an entry in ClinVar:

NM_152866.3(MS4A1):c.634G>A (p.Val212Ile)

Gene: MS4A1 (membrane spanning 4-domains A1; plus strand). Cytogenetic location: 11q12.2.
Variant type: single nucleotide variant.
Coding change: c.634G>A on transcript NM_152866.3 (MANE Select); coding-DNA position 634, G replaced by A.
Protein change: p.Val212Ile; replaces valine 212 with isoleucine.
Molecular consequence: missense variant.
Genome position (GRCh38, 1-based): chr11:60,467,019, G>A. VCF-style: chr11-60467019-G-A. GRCh37 (hg19) VCF-style: chr11-60234492-G-A.
Other names: c.634G>A, p.Val212Ile (NM_021950.4, NM_152867.2); short protein forms V212I.
Identifiers: ClinVar variation 1360285 (VCV001360285.8), dbSNP rs148035107, ClinGen allele CA6025043.

ClinVar aggregate classification (germline): Uncertain significance (1 of 4 stars; one submission).

Allele frequency attached by ClinVar (database versions not stated): ESP Exome Variant Server 0.00038; gnomAD 0.00042 and 0.00047; ExAC 0.00009; 1000 Genomes Project 30x 0.00016; 1000 Genomes Project 0.00020.
gnomAD v4.1: 190 of 1,614,106 alleles (0.012%); highest among the groups gnomAD compares: African/African-American, 0.13%; no homozygotes.

Submission:

Labcorp Genetics (formerly Invitae), Labcorp
Classification: Uncertain significance. Last evaluated: 2025-12-27. Review status: criteria provided, single submitter. Criteria: Invitae Variant Classification Sherloc (09022015). Collection method: clinical testing. Allele origin: germline.
Comment: This sequence change replaces valine, which is neutral and non-polar, with isoleucine, which is neutral and non-polar, at codon 212 of the MS4A1 protein (p.Val212Ile). This variant is present in population databases (rs148035107, gnomAD 0.1%), and has an allele count higher than expected for a pathogenic variant. This variant has not been reported in the literature in individuals affected with MS4A1-related conditions. ClinVar contains an entry for this variant (Variation ID: 1360285). An algorithm developed to predict the effect of missense changes on protein structure and function (PolyPhen-2) suggests that this variant is likely to be disruptive. In summary, the available evidence is currently insufficient to determine the role of this variant in disease. Therefore, it has been classified as a Variant of Uncertain Significance.